The following is an entry in ClinVar:

ClinVar aggregate classification (germline): Uncertain significance (1 of 4 stars; one submission).

Conditions:
Cardiovascular phenotype. Identifiers: MedGen CN230736.

gnomAD v4.1: 75 of 1,613,190 alleles (0.0046%); highest among the groups gnomAD compares: Non-Finnish European, 0.0061%; no homozygotes.

Submission:

Ambry Genetics
Classification: Uncertain significance for Cardiovascular phenotype. Last evaluated: 2024-10-30. Review status: criteria provided, single submitter. Criteria: Ambry Variant Classification Scheme 2023. Collection method: clinical testing. Allele origin: germline.
Comment: The p.Y439C variant (also known as c.1316A>G), located in coding exon 9 of the LMF1 gene, results from an A to G substitution at nucleotide position 1316. The tyrosine at codon 439 is replaced by cysteine, an amino acid with highly dissimilar properties. This amino acid position is well conserved in available vertebrate species. In addition, the in silico prediction for this alteration is inconclusive. Based on the available evidence, the clinical significance of this variant remains unclear.

NM_022773.4(LMF1):c.1316A>G (p.Tyr439Cys)

Gene: LMF1 (lipase maturation factor 1; minus strand). Cytogenetic location: 16p13.3.
Variant type: single nucleotide variant.
Coding change: c.1316A>G on transcript NM_022773.4 (MANE Select); coding-DNA position 1316, A replaced by G.
Protein change: p.Tyr439Cys; replaces tyrosine 439 with cysteine.
Molecular consequence: missense variant. On other transcripts: non-coding transcript variant (1).
Genome position (GRCh38, 1-based): chr16:869,983, T>C on the plus strand (A>G on the coding strand, the complement: LMF1 is on the minus strand). VCF-style: chr16-869983-T-C. GRCh37 (hg19) VCF-style: chr16-919983-T-C.
Other names: c.665A>G, p.Tyr222Cys (NM_001352017.2, NM_001352021.2); c.917A>G, p.Tyr306Cys (NM_001352018.2); c.989A>G, p.Tyr330Cys (NM_001352019.2); c.1316A>G, p.Tyr439Cys (NM_001352020.1); short protein forms Y306C, Y330C, Y222C, Y439C.
Identifiers: ClinVar variation 3538651 (VCV003538651.1).
Genomic context (GRCh38, chr16:869,983, plus strand): 5'-TGGTACGGGGAGATGAGGCAGGGCCGTCTGCTGGGGTCACCTGGCTTGCACTTGAACTCG[T>C]AGTCCTCCCACATGGCATCGGGGGCGCTGGCGTTGGAGCTGGCTGTGCCCTGCAGGATCA-3'
Protein context (NP_073610.2, residues 429-449): ASAPDAMWED[Tyr439Cys]EFKCKPGDPS